The following is an entry in ClinVar:

NM_001943.5(DSG2):c.403A>G (p.Arg135Gly)

Gene: DSG2 (desmoglein 2; plus strand). Cytogenetic location: 18q12.1.
Variant type: single nucleotide variant.
Coding change: c.403A>G on transcript NM_001943.5 (MANE Select); coding-DNA position 403, A replaced by G.
Protein change: p.Arg135Gly; replaces arginine 135 with glycine.
Molecular consequence: missense variant.
Genome position (GRCh38, 1-based): chr18:31,521,123, A>G. VCF-style: chr18-31521123-A-G. GRCh37 (hg19) VCF-style: chr18-29101086-A-G.
Other names: short protein forms R135G.
Identifiers: ClinVar variation 918710 (VCV000918710.5), dbSNP rs2073125230, ClinGen allele CA402131896.

ClinVar aggregate classification (germline): Uncertain significance (1 of 4 stars; one submission).

Conditions:
Cardiomyopathy (CMYO). Also called: Cardiomyopathies. Identifiers: Orphanet 167848, MedGen C0878544, MONDO:0004994, HP:0001638. Inheritance: Various modes of inheritance.

Submission:

Color Diagnostics, LLC DBA Color Health
Classification: Uncertain significance for Cardiomyopathy. Last evaluated: 2023-12-05. Review status: criteria provided, single submitter. Criteria: ACMG Guidelines, 2015. Collection method: clinical testing. Allele origin: germline.
Comment: This missense variant replaces arginine with glycine at codon 135 of the DSG2 protein. Computational prediction tools and conservation analyses are inconclusive regarding the impact of this variant on the protein function. Computational splicing tools suggest that this variant may not impact RNA splicing. To our knowledge, functional assays have not been performed for this variant nor has this variant been reported in individuals affected with cardiovascular disorders in the literature. This variant has not been identified in the general population by the Genome Aggregation Database (gnomAD). Available evidence is insufficient to determine the role of this variant in disease conclusively. Therefore, this variant is classified as a Variant of Uncertain Significance.